The following is an entry in ClinVar:

NM_001163560.3(MEIOB):c.52A>C (p.Thr18Pro)

Gene: MEIOB (meiosis specific with OB-fold; minus strand). Cytogenetic location: 16p13.3.
Variant type: single nucleotide variant.
Coding change: c.52A>C on transcript NM_001163560.3 (MANE Select); coding-DNA position 52, A replaced by C.
Protein change: p.Thr18Pro; replaces threonine 18 with proline.
Molecular consequence: missense variant.
Genome position (GRCh38, 1-based): chr16:1,868,124, T>G on the plus strand (A>C on the coding strand, the complement: MEIOB is on the minus strand). VCF-style: chr16-1868124-T-G. GRCh37 (hg19) VCF-style: chr16-1918125-T-G.
Other names: c.52A>C, p.Thr18Pro (NM_152764.3); short protein forms T18P.
Identifiers: ClinVar variation 3060968 (VCV003060968.2), dbSNP rs1742446, ClinGen allele CA7822008.

ClinVar aggregate classification (germline): Benign (0 of 4 stars; one submission).

Conditions:
MEIOB-related disorder. Also called: MEIOB-related condition.

Allele frequency attached by ClinVar (database versions not stated): 1000 Genomes Project 0.81250; 1000 Genomes Project 30x 0.81543; ExAC 0.82038; gnomAD 0.82508; TOPMed 0.83510; gnomAD exomes 0.83862; ESP Exome Variant Server 0.84100.
gnomAD v4.1: 1,276,672 of 1,524,838 alleles (84%); highest among the groups gnomAD compares: Middle Eastern, 88%; 535,395 homozygotes.

Submission:

PreventionGenetics, part of Exact Sciences
Classification: Benign for MEIOB-related condition. Last evaluated: 2019-10-16. Review status: no assertion criteria provided. Collection method: clinical testing. Allele origin: germline.
Comment: This variant is classified as benign based on ACMG/AMP sequence variant interpretation guidelines (Richards et al. 2015 PMID: 25741868, with internal and published modifications).